The following is an entry in ClinVar:

ClinVar aggregate classification (germline): Likely benign. Review status: criteria provided, multiple submitters, no conflicts (2 of 4 stars). 3 submissions from 3 submitters: Likely benign (3). Last evaluated 2026-04-10.

Conditions:
DICER1-related tumor predisposition. Also called: DICER1-related pleuropulmonary blastoma cancer predisposition syndrome; DICER1 syndrome. Identifiers: Orphanet 284343, MedGen C3839822, MONDO:0100216.

Allele frequency attached by ClinVar (database versions not stated): gnomAD exomes below 0.00001 and 0.00001; ExAC 0.00001.
gnomAD v4.1: 2 of 1,613,476 alleles (0.00012%); highest among the groups gnomAD compares: Non-Finnish European, 0.000085%; no homozygotes.

Submissions (3):

Myriad Genetics, Inc.
Classification: Likely benign for DICER1-related tumor predisposition. Last evaluated: 2026-04-10. Review status: criteria provided, single submitter. Criteria: Myriad Autosomal Dominant, Autosomal Recessive and X-Linked Classification Criteria (2023). Collection method: clinical testing. Allele origin: unknown.
Comment: This variant is considered likely benign. This variant is intronic and is not expected to impact mRNA splicing.

Labcorp Genetics (formerly Invitae), Labcorp
Classification: Likely benign for DICER1-related tumor predisposition. Last evaluated: 2025-08-18. Review status: criteria provided, single submitter. Criteria: Invitae Variant Classification Sherloc (09022015). Collection method: clinical testing. Allele origin: germline.

Quest Diagnostics Nichols Institute San Juan Capistrano
Classification: Likely benign. Last evaluated: 2023-08-22. Review status: criteria provided, single submitter. Criteria: Quest Diagnostics criteria. Collection method: clinical testing. Allele origin: unknown.

NM_177438.3(DICER1):c.145-9T>C

Gene: DICER1 (dicer 1, ribonuclease III; minus strand). Cytogenetic location: 14q32.13.
Variant type: single nucleotide variant.
Coding change: c.145-9T>C on transcript NM_177438.3 (MANE Select); 9 bases into the intron before coding-DNA position 145, T replaced by C.
Molecular consequence: intron variant.
Genome position (GRCh38, 1-based): chr14:95,132,686, A>G on the plus strand (T>C on the coding strand, the complement: DICER1 is on the minus strand). VCF-style: chr14-95132686-A-G. GRCh37 (hg19) VCF-style: chr14-95599023-A-G.
Other names: c.145-9T>C (NM_001291628.2, NM_030621.4, NM_001271282.3 and 1 more transcripts).
Identifiers: ClinVar variation 242038 (VCV000242038.14), dbSNP rs763327342, ClinGen allele CA7331722.